The following is an entry in ClinVar:

ClinVar aggregate classification (germline): Pathogenic/Likely pathogenic. Review status: criteria provided, multiple submitters, no conflicts (2 of 4 stars). 6 submissions from 6 submitters: Pathogenic (2); Likely pathogenic (4). Last evaluated 2026-05-30.

Conditions:
Hereditary nonpolyposis colorectal neoplasms. Identifiers: MedGen C0009405, MeSH D003123.
Lynch syndrome. Identifiers: Orphanet 144, MedGen C4552100, MONDO:0005835. Disease mechanism: loss of function.
Hereditary cancer-predisposing syndrome. Also called: Neoplastic Syndromes, Hereditary; Tumor predisposition; Hereditary Cancer Syndrome; Hereditary neoplastic syndrome. Identifiers: Orphanet 140162, MedGen C0027672, MeSH D009386, MONDO:0015356.
Lynch syndrome 5 (LYNCH5). Also called: Colorectal cancer, hereditary nonpolyposis, type 5; Hereditary non-polyposis colorectal cancer, type 5. Identifiers: Orphanet 144, MedGen C1833477, MONDO:0013710, OMIM 614350. Disease mechanism: loss of function.
Inherited polyposis and early onset colorectal cancer - germline testing.
Inherited MMR deficiency (Lynch syndrome).

Submissions (6):

NHS Central & South Genomic Laboratory Hub
Classification: Pathogenic for Inherited MMR deficiency (Lynch syndrome). Last evaluated: 2026-05-30. Review status: criteria provided, single submitter. Criteria: ACMG Guidelines, 2015. Collection method: clinical testing. Allele origin: germline. Affected: yes.

Labcorp Genetics (formerly Invitae), Labcorp
Classification: Pathogenic for Hereditary nonpolyposis colorectal neoplasms. Last evaluated: 2025-10-30. Review status: criteria provided, single submitter. Criteria: Invitae Variant Classification Sherloc (09022015). Collection method: clinical testing. Allele origin: germline.
Comment: This sequence change affects a donor splice site in intron 9 of the MSH6 gene. RNA analysis indicates that disruption of this splice site induces altered splicing and likely disrupts the C-terminus of the protein. This variant is not present in population databases (gnomAD no frequency). Disruption of this splice site has been observed in individuals with Lynch syndrome (PMID: 21836479, 22495361). It has also been observed to segregate with disease in related individuals. ClinVar contains an entry for this variant (Variation ID: 428344). Variants that disrupt the consensus splice site are a relatively common cause of aberrant splicing (PMID: 17576681, 9536098). Studies have shown that disruption of this splice site results in skipping of exon 9 and introduces a new termination codon (internal data). However the mRNA is not expected to undergo nonsense-mediated decay. For these reasons, this variant has been classified as Pathogenic.

Ambry Genetics
Classification: Likely pathogenic for Hereditary cancer-predisposing syndrome. Last evaluated: 2025-04-11. Review status: criteria provided, single submitter. Criteria: Ambry Variant Classification Scheme 2023. Collection method: clinical testing. Allele origin: germline.
Comment: The c.4001+1G>C intronic variant results from a G to C substitution one nucleotide after coding exon 9 of the MSH6 gene. This variant has been identified in a proband(s) whose Lynch syndrome-associated tumor demonstrated loss of MSH6 expression by immunohistochemistry (Ambry internal data). This alteration occurs at the 3' terminus of the MSH6 gene, is not expected to trigger nonsense-mediated mRNA decay, and only impacts the last 93 amino acids of the protein. The exact functional effect of this alteration is unknown; however, the impacted region is critical for protein function (Ambry internal data). This variant is considered to be rare based on population cohorts in the Genome Aggregation Database (gnomAD). This nucleotide position is highly conserved in available vertebrate species. In silico splice site analysis predicts that this alteration will weaken the native splice donor site. RNA studies have demonstrated that this alteration results in abnormal splicing in the set of samples tested (Ambry internal data). Based on the majority of available evidence to date, this variant is likely to be pathogenic.

Cambridge Genomics Laboratory, East Genomic Laboratory Hub, NHS Genomic Medicine Service
Classification: Likely pathogenic for Inherited polyposis and early onset colorectal cancer - germline testing. Last evaluated: 2025-03-17. Review status: criteria provided, single submitter. Criteria: ACGS Best Practice Guidelines for Variant Classification in Rare Disease 2020. Collection method: clinical testing. Allele origin: germline. Affected: yes.
Comment: PVS1_Strong,PS1_Supporting,PM2,PP4_Moderate

Myriad Genetics, Inc.
Classification: Likely pathogenic for Lynch syndrome 5. Last evaluated: 2023-08-29. Review status: criteria provided, single submitter. Criteria: Myriad Autosomal Dominant, Autosomal Recessive and X-Linked Classification Criteria (2023). Collection method: clinical testing. Allele origin: unknown.
Comment: This variant is considered likely pathogenic. This variant occurs within a consensus splice junction and is predicted to result in abnormal mRNA splicing of either an out-of-frame exon or an in-frame exon necessary for protein stability and/or normal function.

Women's Health and Genetics/Laboratory Corporation of America, LabCorp
Classification: Likely pathogenic for Hereditary nonpolyposis colon cancer. Last evaluated: 2017-07-20. Review status: criteria provided, single submitter. Criteria: LabCorp Variant Classification Summary - May 2015. Collection method: clinical testing. Allele origin: germline.
Comment: Variant summary: The c.4001+1G>C (aka IVS9+1G>C) in a MSH6 gene is a splice-site variant that alters a highly conserved nucleotide. 5/5 in silico tools via Alamut predict this variant to eliminate a canonical donor sequence, however these predictions have yet to be confirmed by functional assay. The variant is absent from control datasets of ExAC and gnomAD (112936 and 270198 chrs tested, respectively). The variant has not, to our knowledge, been reported in affected individuals via publications, but is cited as Likely Pathogenic by a reputable database/clinical laboratory. In addition, two other alterations of the same nucleotide, c.4001+1G>A and c.4001+1G>T have been reported as casual in patients with CRC. Taken together, the variant was classified as Likely Pathogenic until additional information becomes available.

Literature cited by the submitters: PubMed 21836479 (cited by Labcorp Genetics (formerly Invitae), Labcorp); PubMed 22495361 (cited by Labcorp Genetics (formerly Invitae), Labcorp); PubMed 17576681 (cited by Labcorp Genetics (formerly Invitae), Labcorp); PubMed 9536098 (cited by Labcorp Genetics (formerly Invitae), Labcorp).

NM_000179.3(MSH6):c.4001+1G>C

Gene: MSH6 (mutS homolog 6; plus strand). Cytogenetic location: 2p16.3.
Variant type: single nucleotide variant.
Coding change: c.4001+1G>C on transcript NM_000179.3 (MANE Select); the canonical splice donor site of the intron after coding-DNA position 4001, G replaced by C.
Molecular consequence: splice donor variant. On other transcripts: intron variant (1).
Genome position (GRCh38, 1-based): chr2:47,806,652, G>C. VCF-style: chr2-47806652-G-C. GRCh37 (hg19) VCF-style: chr2-48033791-G-C.
Other names: c.3704+1G>C (NM_001406805.1, NM_001406797.1, NM_001406801.1 and 10 more transcripts); c.4097+1G>C (NM_001406795.1); c.3898-127G>C (NM_001406802.1); c.4007+1G>C (NM_001406813.1); c.3476+1G>C (NM_001406807.1, NM_001406799.1, NM_001406806.1); c.3095+1G>C (NM_001406814.1, NM_001281493.2, NM_001406812.1 and 6 more transcripts); c.4001+1G>C (NM_001406808.1, NM_001406809.1, NM_001406796.1); c.*22+1G>C (NM_001406800.1); and 9 more.
Identifiers: ClinVar variation 428344 (VCV000428344.10), dbSNP rs1114167729, ClinGen allele CA346761612.